The following is an entry in ClinVar:

ClinVar aggregate classification (germline): Uncertain significance (1 of 4 stars; one submission).

gnomAD v4.1: 10 of 1,543,440 alleles (0.00065%); highest among the groups gnomAD compares: Non-Finnish European, 0.00088%; no homozygotes.

Submission:

Labcorp Genetics (formerly Invitae), Labcorp
Classification: Uncertain significance. Last evaluated: 2024-11-11. Review status: criteria provided, single submitter. Criteria: Invitae Variant Classification Sherloc (09022015). Collection method: clinical testing. Allele origin: germline.
Comment: This sequence change replaces isoleucine, which is neutral and non-polar, with valine, which is neutral and non-polar, at codon 1043 of the NLRP1 protein (p.Ile1043Val). This variant is not present in population databases (gnomAD no frequency). This variant has not been reported in the literature in individuals affected with NLRP1-related conditions. An algorithm developed to predict the effect of missense changes on protein structure and function (PolyPhen-2) suggests that this variant is likely to be tolerated. Algorithms developed to predict the effect of sequence changes on RNA splicing suggest that this variant may disrupt the consensus splice site. In summary, the available evidence is currently insufficient to determine the role of this variant in disease. Therefore, it has been classified as a Variant of Uncertain Significance.

NM_033004.4(NLRP1):c.3127A>G (p.Ile1043Val)

Gene: NLRP1 (NLR family pyrin domain containing 1; minus strand). Cytogenetic location: 17p13.2.
Variant type: single nucleotide variant.
Coding change: c.3127A>G on transcript NM_033004.4 (MANE Select); coding-DNA position 3127, A replaced by G.
Protein change: p.Ile1043Val; replaces isoleucine 1043 with valine.
Molecular consequence: missense variant.
Genome position (GRCh38, 1-based): chr17:5,533,310, T>C on the plus strand (A>G on the coding strand, the complement: NLRP1 is on the minus strand). VCF-style: chr17-5533310-T-C. GRCh37 (hg19) VCF-style: chr17-5436630-T-C.
Other names: c.3127A>G, p.Ile1043Val (NM_001033053.3, NM_014922.5); c.3037A>G, p.Ile1013Val (NM_033006.4, NM_033007.4); short protein forms I1013V, I1043V.
Identifiers: ClinVar variation 3691523 (VCV003691523.2).